The following is an entry in ClinVar:

ClinVar aggregate classification (germline): Likely benign (1 of 4 stars; one submission).

Submission:

CeGaT Center for Human Genetics Tuebingen
Classification: Likely benign. Last evaluated: 2026-06-01. Review status: criteria provided, single submitter. Criteria: CeGaT Center For Human Genetics Tuebingen Variant Classification Criteria Version 2. Collection method: clinical testing. Allele origin: germline. Affected: yes. Observed: 1 variant allele.
Comment: DNAJC30: BP4, BP7

NM_032317.3(DNAJC30):c.126C>T (p.Asp42=)

Genes: DNAJC30 (DnaJ heat shock protein family (Hsp40) member C30; minus strand), LOC129998603 (ATAC-STARR-seq lymphoblastoid active region 26127; plus strand). Cytogenetic location: 7q11.23.
Variant type: single nucleotide variant.
Coding change: c.126C>T on transcript NM_032317.3 (MANE Select); coding-DNA position 126, C replaced by T.
Protein change: p.Asp42=; no amino-acid change (aspartic acid 42 retained).
Molecular consequence: synonymous variant.
Genome position (GRCh38, 1-based): chr7:73,683,298, G>A on the plus strand (C>T on the coding strand, the complement: DNAJC30 is on the minus strand). VCF-style: chr7-73683298-G-A. GRCh37 (hg19) VCF-style: chr7-73097628-G-A.
Identifiers: ClinVar variation 4872280 (VCV004872280.2).